The following is an entry in ClinVar:

NM_005529.7(HSPG2):c.6161A>G (p.Lys2054Arg)

Gene: HSPG2 (heparan sulfate proteoglycan 2; minus strand). Cytogenetic location: 1p36.12.
Variant type: single nucleotide variant.
Coding change: c.6161A>G on transcript NM_005529.7 (MANE Select); coding-DNA position 6161, A replaced by G.
Protein change: p.Lys2054Arg; replaces lysine 2054 with arginine.
Molecular consequence: missense variant.
Genome position (GRCh38, 1-based): chr1:21,854,738, T>C on the plus strand (A>G on the coding strand, the complement: HSPG2 is on the minus strand). VCF-style: chr1-21854738-T-C. GRCh37 (hg19) VCF-style: chr1-22181231-T-C.
Other names: c.6164A>G, p.Lys2055Arg (NM_001291860.2); c.6161A>G (NM_005529.5); short protein forms K2054R, K2055R.
Identifiers: ClinVar variation 1400608 (VCV001400608.11), dbSNP rs758801322, ClinGen allele CA671638.

ClinVar aggregate classification (germline): Conflicting classifications of pathogenicity. Review status: criteria provided, conflicting classifications (1 of 4 stars). 5 submissions from 5 submitters: Uncertain significance (4); Likely benign (1). Last evaluated 2025-07-23.

Conditions:
Schwartz-Jampel syndrome type 1 (SJS1). Also called: MYOTONIC MYOPATHY, DWARFISM, CHONDRODYSTROPHY, AND OCULAR AND FACIAL ABNORMALITIES; CHONDRODYSTROPHIC MYOTONIA. Identifiers: MedGen C4551479, MONDO:0100435, OMIM 255800.
Lethal Kniest-like syndrome (DDSH). Also called: Dyssegmental Dysplasia. Identifiers: Orphanet 1865, MedGen C1857100, MONDO:0009140, OMIM 224410.
Inborn genetic diseases. Identifiers: MedGen C0950123, MeSH D030342.

Allele frequency attached by ClinVar (database versions not stated): ExAC 0.00001; gnomAD 0.00001; gnomAD exomes 0.00001.
gnomAD v4.1: 7 of 1,613,690 alleles (0.00043%); highest among the groups gnomAD compares: Admixed American, 0.005%; no homozygotes.

Submissions (5):

Ambry Genetics
Classification: Likely benign for Inborn genetic diseases. Last evaluated: 2025-07-23. Review status: criteria provided, single submitter. Criteria: Ambry Variant Classification Scheme 2023. Collection method: clinical testing. Allele origin: germline.

Labcorp Genetics (formerly Invitae), Labcorp
Classification: Uncertain significance. Last evaluated: 2022-08-31. Review status: criteria provided, single submitter. Criteria: Invitae Variant Classification Sherloc (09022015). Collection method: clinical testing. Allele origin: germline.
Comment: This sequence change replaces lysine, which is basic and polar, with arginine, which is basic and polar, at codon 2054 of the HSPG2 protein (p.Lys2054Arg). This variant is present in population databases (rs758801322, gnomAD 0.006%). This variant has not been reported in the literature in individuals affected with HSPG2-related conditions. ClinVar contains an entry for this variant (Variation ID: 1400608). Algorithms developed to predict the effect of missense changes on protein structure and function output the following: SIFT: "Tolerated"; PolyPhen-2: "Benign"; Align-GVGD: "Class C0". The arginine amino acid residue is found in multiple mammalian species, which suggests that this missense change does not adversely affect protein function. Algorithms developed to predict the effect of sequence changes on RNA splicing suggest that this variant may create or strengthen a splice site. In summary, the available evidence is currently insufficient to determine the role of this variant in disease. Therefore, it has been classified as a Variant of Uncertain Significance.

Fulgent Genetics
Classification: Uncertain significance for Lethal Kniest-like syndrome; Schwartz-Jampel syndrome type 1. Last evaluated: 2022-03-12. Review status: criteria provided, single submitter. Criteria: ACMG Guidelines, 2015. Collection method: clinical testing. Allele origin: unknown.

Athena Diagnostics
Classification: Uncertain significance. Last evaluated: 2021-10-13. Review status: criteria provided, single submitter. Criteria: Athena Diagnostics Criteria. Collection method: clinical testing. Allele origin: unknown.

Revvity Omics, Revvity
Classification: Uncertain significance. Last evaluated: 2019-07-29. Review status: criteria provided, single submitter. Criteria: ACMG Guidelines, 2015. Collection method: clinical testing. Allele origin: germline.